The following is an entry in ClinVar:

NM_001267550.2(TTN):c.84848A>G (p.Lys28283Arg)

Genes: TTN (titin; minus strand), TTN-AS1 (TTN antisense RNA 1; plus strand). Cytogenetic location: 2q31.2.
Variant type: single nucleotide variant.
Coding change: c.84848A>G on transcript NM_001267550.2 (MANE Select); coding-DNA position 84848, A replaced by G.
Protein change: p.Lys28283Arg; replaces lysine 28283 with arginine.
Molecular consequence: missense variant.
Genome position (GRCh38, 1-based): chr2:178,561,284, T>C on the plus strand (A>G on the coding strand, the complement: TTN is on the minus strand). VCF-style: chr2-178561284-T-C. GRCh37 (hg19) VCF-style: chr2-179426011-T-C.
Other names: c.84848A>G (NM_001267550.1); c.79925A>G, p.Lys26642Arg (NM_001256850.1); c.57653A>G, p.Lys19218Arg (NM_003319.4); c.77144A>G, p.Lys25715Arg (NM_133378.4); c.58028A>G, p.Lys19343Arg (NM_133432.3); c.58229A>G, p.Lys19410Arg (NM_133437.4); short protein forms K28283R, K19218R, K19410R, K26642R, K19343R, K25715R.
Identifiers: ClinVar variation 467563 (VCV000467563.7), dbSNP rs545841306, ClinGen allele CA1988733.

ClinVar aggregate classification (germline): Uncertain significance. Review status: criteria provided, multiple submitters, no conflicts (2 of 4 stars). 4 submissions from 4 submitters: Uncertain significance (4). Last evaluated 2023-11-16.

Conditions:
Autosomal recessive limb-girdle muscular dystrophy type 2J (LGMDR10). Also called: Limb-girdle muscular dystrophy, type 2J; MUSCULAR DYSTROPHY, LIMB-GIRDLE, AUTOSOMAL RECESSIVE 10. Identifiers: Orphanet 140922, MedGen C1837342, MONDO:0012127, OMIM 608807.
Dilated cardiomyopathy 1G (CMD1G). Identifiers: Orphanet 154, MedGen C1858763, MONDO:0011400, OMIM 604145.
Cardiovascular phenotype. Identifiers: MedGen CN230736.
Myopathy, myofibrillar, 9, with early respiratory failure (MFM9). Also called: EDSTROM MYOPATHY; MYOPATHY, PROXIMAL, WITH EARLY RESPIRATORY MUSCLE INVOLVEMENT; Hereditary myopathy with early respiratory failure; Myopathy, distal, with early respiratory failure, autosomal dominant. Identifiers: Orphanet 178464, Orphanet 34521, MedGen C1863599, MONDO:0011362, OMIM 603689.
Hypertrophic cardiomyopathy 9. Also called: Familial hypertrophic cardiomyopathy 9. Identifiers: MedGen C1861065, MONDO:0013412, OMIM 613765.
Early-onset myopathy with fatal cardiomyopathy (CMYO5). Also called: Salih Myopathy; CONGENITAL MYOPATHY 5 WITH CARDIOMYOPATHY. Identifiers: Orphanet 289377, MedGen C2673677, MONDO:0012714, OMIM 611705. Disease mechanism: loss of function.
Tibial muscular dystrophy (TMD). Also called: UDD MYOPATHY; Tibial muscular dystrophy, tardive; Udd Distal Myopathy – Tibial Muscular Dystrophy. Identifiers: Orphanet 609, MedGen C1838244, MONDO:0010870, OMIM 600334.

Allele frequency attached by ClinVar (database versions not stated): gnomAD exomes below 0.00001; ExAC 0.00001; TOPMed 0.00003; gnomAD 0.00005; 1000 Genomes Project 30x 0.00016; 1000 Genomes Project 0.00020.
gnomAD v4.1: 8 of 1,613,838 alleles (0.0005%); highest among the groups gnomAD compares: African/African-American, 0.011%; no homozygotes.

Submissions (4):

GeneDx
Classification: Uncertain significance. Last evaluated: 2023-11-16. Review status: criteria provided, single submitter. Criteria: GeneDx Variant Classification Process June 2021. Collection method: clinical testing. Allele origin: germline. Affected: yes.
Comment: Not observed at significant frequency in large population cohorts (gnomAD); Missense variant in a gene in which most reported pathogenic variants are truncating/loss of function; Has not been previously published as pathogenic or benign to our knowledge

Fulgent Genetics
Classification: Uncertain significance for Tibial muscular dystrophy; Myopathy, myofibrillar, 9, with early respiratory failure; Dilated cardiomyopathy 1G; Autosomal recessive limb-girdle muscular dystrophy type 2J; Early-onset myopathy with fatal cardiomyopathy; Hypertrophic cardiomyopathy 9. Last evaluated: 2021-12-07. Review status: criteria provided, single submitter. Criteria: ACMG Guidelines, 2015. Collection method: clinical testing. Allele origin: unknown.

Ambry Genetics
Classification: Uncertain significance for Cardiovascular phenotype. Last evaluated: 2018-09-26. Review status: criteria provided, single submitter. Criteria: Ambry Variant Classification Scheme 2023. Collection method: clinical testing. Allele origin: germline.
Comment: The p.K19218R variant (also known as c.57653A>G), located in coding exon 153 of the TTN gene, results from an A to G substitution at nucleotide position 57653. The lysine at codon 19218 is replaced by arginine, an amino acid with highly similar properties. This amino acid position is well conserved in available vertebrate species; however, arginine is the reference amino acid in other vertebrate species. In addition, this alteration is predicted to be tolerated by in silico analysis. Since supporting evidence is limited at this time, the clinical significance of this alteration remains unclear.

Labcorp Genetics (formerly Invitae), Labcorp
Classification: Uncertain significance for Dilated cardiomyopathy 1G; Autosomal recessive limb-girdle muscular dystrophy type 2J. Last evaluated: 2017-03-23. Review status: criteria provided, single submitter. Criteria: Invitae Variant Classification Sherloc (09022015). Collection method: clinical testing. Allele origin: germline.